The following is an entry in ClinVar:

NM_004655.4(AXIN2):c.2047C>A (p.Pro683Thr)

Gene: AXIN2 (axin 2; minus strand). Cytogenetic location: 17q24.1.
Variant type: single nucleotide variant.
Coding change: c.2047C>A on transcript NM_004655.4 (MANE Select); coding-DNA position 2047, C replaced by A.
Protein change: p.Pro683Thr; replaces proline 683 with threonine.
Molecular consequence: missense variant.
Genome position (GRCh38, 1-based): chr17:65,536,414, G>T on the plus strand (C>A on the coding strand, the complement: AXIN2 is on the minus strand). VCF-style: chr17-65536414-G-T. GRCh37 (hg19) VCF-style: chr17-63532532-G-T.
Other names: c.1852C>A, p.Pro618Thr (NM_001363813.1); short protein forms P618T, P683T.
Identifiers: ClinVar variation 2852588 (VCV002852588.3), dbSNP rs1598096797, ClinGen allele CA400676093.
Genomic context (GRCh38, chr17:65,536,414, plus strand): 5'-TGCGACAGGCCTCCTCCAGCTGAGCCAGCGTGTTGGGTGGGGTCAGGGGAGGCATCGCAG[G>T]GTCCTGGGTGAACAGGTGGGCACGGGGGGTGGTGCGGGGGTGCCCGCTGTTGCCCCCCCA-3'
Protein context (NP_004646.3, residues 673-693): TPRAHLFTQD[Pro683Thr]AMPPLTPPNT

ClinVar aggregate classification (germline): Uncertain significance (1 of 4 stars; one submission).

Conditions:
Oligodontia-cancer predisposition syndrome. Also called: TOOTH AGENESIS-COLORECTAL CANCER SYNDROME. Identifiers: Orphanet 300576, MedGen C1837750, MONDO:0012075, OMIM 608615. Disease mechanism: loss of function.

Submission:

Labcorp Genetics (formerly Invitae), Labcorp
Classification: Uncertain significance for Oligodontia-cancer predisposition syndrome. Last evaluated: 2023-04-06. Review status: criteria provided, single submitter. Criteria: Invitae Variant Classification Sherloc (09022015). Collection method: clinical testing. Allele origin: germline.
Comment: This sequence change replaces proline, which is neutral and non-polar, with threonine, which is neutral and polar, at codon 683 of the AXIN2 protein (p.Pro683Thr). This variant is not present in population databases (gnomAD no frequency). This variant has not been reported in the literature in individuals affected with AXIN2-related conditions. Advanced modeling of protein sequence and biophysical properties (such as structural, functional, and spatial information, amino acid conservation, physicochemical variation, residue mobility, and thermodynamic stability) has been performed at Invitae for this missense variant, however the output from this modeling did not meet the statistical confidence thresholds required to predict the impact of this variant on AXIN2 protein function. In summary, the available evidence is currently insufficient to determine the role of this variant in disease. Therefore, it has been classified as a Variant of Uncertain Significance.